The following is an entry in ClinVar:

NC_000005.10:g.112850624C>A

Variant type: single nucleotide variant.
Genome position: GRCh38 VCF-style: chr5-112850624-C-A. GRCh37 (hg19) VCF-style: chr5-112186321-C-A.
Identifiers: ClinVar variation 83302 (VCV000083302.3), dbSNP rs74737621, ClinGen allele CA250994.
Genomic context (GRCh38, chr5:112,850,624, plus strand): 5'-ATAAATGTATTAAACACATAAAATAGCCACTATCAGATTGGATAAAATGAAATCTCCCAA[C>A]TATATCCCACTAACAAAACAGTCTAAATGATTCAGAATGGATACAATAAAAAGTACAACC-3'

ClinVar aggregate classification (germline): other (0 of 4 stars; one submission).

Conditions:
Familial colorectal cancer. Identifiers: MedGen CN280943, MONDO:0023113. Disease mechanism: loss of function.

Submission:

Systems Biology Platform Zhejiang California International NanoSystems Institute
Classification: other for Familial colorectal cancer. Review status: no assertion criteria provided. Collection method: not provided. Allele origin: unknown.
ClinVar note: Converted during submission from cancer to other.